The following is an entry in ClinVar:

ClinVar aggregate classification (germline): Conflicting classifications of pathogenicity. Review status: criteria provided, conflicting classifications (1 of 4 stars). 2 submissions from 2 submitters: Uncertain significance (1); Likely benign (1). Last evaluated 2026-01-23.

Allele frequency attached by ClinVar (database versions not stated): TOPMed below 0.00001; ExAC 0.00001; gnomAD 0.00001; gnomAD exomes 0.00001.
gnomAD v4.1: 18 of 1,614,008 alleles (0.0011%); highest among the groups gnomAD compares: East Asian, 0.0045%; no homozygotes.

Submissions (2):

GeneDx
Classification: Uncertain significance. Last evaluated: 2026-01-23. Review status: criteria provided, single submitter. Criteria: GeneDx Variant Classification Process June 2021. Collection method: clinical testing. Allele origin: germline.
Comment: Not observed at significant frequency in large population cohorts (gnomAD); In silico analysis suggests that this variant does not alter splicing; Has not been previously published as pathogenic or benign to our knowledge

Labcorp Genetics (formerly Invitae), Labcorp
Classification: Likely benign. Last evaluated: 2025-03-25. Review status: criteria provided, single submitter. Criteria: Invitae Variant Classification Sherloc (09022015). Collection method: clinical testing. Allele origin: germline.

NM_015202.5(KATNIP):c.8-6C>T

Gene: KATNIP (katanin interacting protein; plus strand). Cytogenetic location: 16p12.1.
Variant type: single nucleotide variant.
Coding change: c.8-6C>T on transcript NM_015202.5 (MANE Select); 6 bases into the intron before coding-DNA position 8, C replaced by T.
Molecular consequence: intron variant.
Genome position (GRCh38, 1-based): chr16:27,573,895, C>T. VCF-style: chr16-27573895-C-T. GRCh37 (hg19) VCF-style: chr16-27585216-C-T.
Identifiers: ClinVar variation 2975597 (VCV002975597.4), dbSNP rs758100624, ClinGen allele CA7977169.